The following is an entry in ClinVar:

NM_004963.4(GUCY2C):c.612-3C>T

Genes: GUCY2C (guanylate cyclase 2C; minus strand), GUCY2C-AS1 (GUCY2C antisense RNA 1; plus strand). Cytogenetic location: 12p12.3.
Variant type: single nucleotide variant.
Coding change: c.612-3C>T on transcript NM_004963.4 (MANE Select); 3 bases into the intron before coding-DNA position 612, C replaced by T.
Molecular consequence: intron variant.
Genome position (GRCh38, 1-based): chr12:14,681,480, G>A on the plus strand (C>T on the coding strand, the complement: GUCY2C is on the minus strand). VCF-style: chr12-14681480-G-A. GRCh37 (hg19) VCF-style: chr12-14834414-G-A.
Identifiers: ClinVar variation 2100963 (VCV002100963.4), dbSNP rs2497796141, ClinGen allele CA2537945124.

ClinVar aggregate classification (germline): Uncertain significance (1 of 4 stars; one submission).

Submission:

Labcorp Genetics (formerly Invitae), Labcorp
Classification: Uncertain significance. Last evaluated: 2023-10-03. Review status: criteria provided, single submitter. Criteria: Invitae Variant Classification Sherloc (09022015). Collection method: clinical testing. Allele origin: germline.
Comment: This sequence change falls in intron 4 of the GUCY2C gene. It does not directly change the encoded amino acid sequence of the GUCY2C protein. It affects a nucleotide within the consensus splice site. This variant is not present in population databases (gnomAD no frequency). This variant has not been reported in the literature in individuals affected with GUCY2C-related conditions. ClinVar contains an entry for this variant (Variation ID: 2100963). Variants that disrupt the consensus splice site are a relatively common cause of aberrant splicing (PMID: 17576681, 9536098). Algorithms developed to predict the effect of sequence changes on RNA splicing suggest that this variant is not likely to affect RNA splicing. In summary, the available evidence is currently insufficient to determine the role of this variant in disease. Therefore, it has been classified as a Variant of Uncertain Significance.

Literature cited by the submitters: PubMed 17576681; PubMed 9536098.